The following is an entry in ClinVar:

NM_031407.7(HUWE1):c.-24-2A>G

Gene: HUWE1 (HECT, UBA and WWE domain containing E3 ubiquitin protein ligase 1; minus strand). Cytogenetic location: Xp11.22.
Variant type: single nucleotide variant.
Coding change: c.-24-2A>G on transcript NM_031407.7 (MANE Select); the canonical splice acceptor site of the intron before 24 bases upstream of the start codon, A replaced by G.
Molecular consequence: splice acceptor variant.
Genome position (GRCh38, 1-based): chrX:53,654,133, T>C on the plus strand (A>G on the coding strand, the complement: HUWE1 is on the minus strand). VCF-style: chrX-53654133-T-C. GRCh37 (hg19) VCF-style: chrX-53681077-T-C.
Identifiers: ClinVar variation 561031 (VCV000561031.2), dbSNP rs1569511527, ClinGen allele CA658825062.

ClinVar aggregate classification (germline): Uncertain significance (1 of 4 stars; one submission).

Conditions:
Intellectual developmental disorder, X-linked, syndromic, Turner type. Also called: X-linked intellectual disability, Turner type; Intellectual disability, X-linked syndromic, Turner type. Identifiers: Orphanet 3056, Orphanet 85328, MedGen C2678046, MONDO:0010407, OMIM 309590.

Submission:

Baylor Genetics
Classification: Uncertain significance for Intellectual developmental disorder, X-linked, syndromic, Turner type. Last evaluated: 2017-09-01. Review status: criteria provided, single submitter. Criteria: ACMG Guidelines, 2015. Collection method: clinical testing. Allele origin: de novo. Inheritance: X-linked inheritance. Affected: yes.
Comment: X inactivation studies showed 100% skewing

Literature cited by the submitters: PubMed 25326635.